The following is an entry in ClinVar:

NM_001242896.3(DEPDC5):c.1445+5T>G

Gene: DEPDC5 (DEP domain containing 5, GATOR1 subcomplex subunit; plus strand). Cytogenetic location: 22q12.3.
Variant type: single nucleotide variant.
Coding change: c.1445+5T>G on transcript NM_001242896.3 (MANE Select); 5 bases into the intron after coding-DNA position 1445, T replaced by G.
Molecular consequence: intron variant.
Genome position (GRCh38, 1-based): chr22:31,810,646, T>G. VCF-style: chr22-31810646-T-G. GRCh37 (hg19) VCF-style: chr22-32206632-T-G.
Other names: c.1445+5T>G (NM_001364318.2, NM_001136029.4, NM_014662.6 and 7 more transcripts); c.1361+5T>G (NM_001369902.1, NM_001369901.1).
Identifiers: ClinVar variation 1042109 (VCV001042109.6), dbSNP rs894048763, ClinGen allele CA323312199.

ClinVar aggregate classification (germline): Uncertain significance (1 of 4 stars; one submission).

Conditions:
Familial focal epilepsy with variable foci (FPEVF). Identifiers: Orphanet 98820, MedGen C1858477, MONDO:0020310.

Allele frequency attached by ClinVar (database versions not stated): TOPMed 0.00001.

Submission:

Labcorp Genetics (formerly Invitae), Labcorp
Classification: Uncertain significance for Familial focal epilepsy with variable foci. Last evaluated: 2024-04-17. Review status: criteria provided, single submitter. Criteria: Invitae Variant Classification Sherloc (09022015). Collection method: clinical testing. Allele origin: germline.
Comment: This sequence change falls in intron 20 of the DEPDC5 gene. It does not directly change the encoded amino acid sequence of the DEPDC5 protein. It affects a nucleotide within the consensus splice site. This variant is not present in population databases (gnomAD no frequency). This variant has not been reported in the literature in individuals affected with DEPDC5-related conditions. ClinVar contains an entry for this variant (Variation ID: 1042109). Variants that disrupt the consensus splice site are a relatively common cause of aberrant splicing (PMID: 17576681, 9536098). Algorithms developed to predict the effect of sequence changes on RNA splicing suggest that this variant is not likely to affect RNA splicing. In summary, the available evidence is currently insufficient to determine the role of this variant in disease. Therefore, it has been classified as a Variant of Uncertain Significance.

Literature cited by the submitters: PubMed 17576681; PubMed 9536098.